The following is an entry in ClinVar:

NM_006393.3(NEBL):c.1961A>T (p.Asn654Ile)

Gene: NEBL (nebulette; minus strand). Cytogenetic location: 10p12.31.
Variant type: single nucleotide variant.
Coding change: c.1961A>T on transcript NM_006393.3 (MANE Select); coding-DNA position 1961, A replaced by T.
Protein change: p.Asn654Ile; replaces asparagine 654 with isoleucine.
Molecular consequence: missense variant. On other transcripts: intron variant (9).
Genome position (GRCh38, 1-based): chr10:20,823,209, T>A on the plus strand (A>T on the coding strand, the complement: NEBL is on the minus strand). VCF-style: chr10-20823209-T-A. GRCh37 (hg19) VCF-style: chr10-21112138-T-A.
Other names: c.1961A>T (NM_006393.2); c.250-10269A>T (NM_001377326.1, NM_001377327.1, NM_001377328.1); c.358-10269A>T (NM_213569.2, NM_001173484.2, NM_001377322.1); c.301-10269A>T (NM_001377324.1); c.292-10269A>T (NM_001377325.1); c.310-10269A>T (NM_001377323.1); short protein forms N654I.
Identifiers: ClinVar variation 1437479 (VCV001437479.10), dbSNP rs1839521789, ClinGen allele CA376095398.

ClinVar aggregate classification (germline): Uncertain significance. Review status: criteria provided, multiple submitters, no conflicts (2 of 4 stars). 3 submissions from 3 submitters: Uncertain significance (3). Last evaluated 2024-09-08.

Conditions:
Primary dilated cardiomyopathy (DCM). Also called: Dilated Cardiomyopathy. Identifiers: Orphanet 217604, MedGen C0007193, MeSH D002311, MONDO:0005021, HP:0001644. Inheritance: Various modes of inheritance.

Allele frequency attached by ClinVar (database versions not stated): gnomAD 0.00001; TOPMed 0.00001.
gnomAD v4.1: 2 of 1,596,728 alleles (0.00013%); highest among the groups gnomAD compares: African/African-American, 0.0027%; no homozygotes.

Submissions (3):

Ambry Genetics
Classification: Uncertain significance. Last evaluated: 2024-09-08. Review status: criteria provided, single submitter. Criteria: Ambry Variant Classification Scheme 2023. Collection method: clinical testing. Allele origin: germline.
Comment: The p.N654I variant (also known as c.1961A>T), located in coding exon 19 of the NEBL gene, results from an A to T substitution at nucleotide position 1961. The asparagine at codon 654 is replaced by isoleucine, an amino acid with dissimilar properties. This amino acid position is conserved. In addition, this alteration is predicted to be tolerated by in silico analysis. Based on the available evidence, the clinical significance of this variant remains unclear.

Women's Health and Genetics/Laboratory Corporation of America, LabCorp
Classification: Uncertain significance. Last evaluated: 2023-08-19. Review status: criteria provided, single submitter. Criteria: LabCorp Variant Classification Summary - May 2015. Collection method: clinical testing. Allele origin: germline.

Labcorp Genetics (formerly Invitae), Labcorp
Classification: Uncertain significance for Primary dilated cardiomyopathy. Last evaluated: 2022-09-01. Review status: criteria provided, single submitter. Criteria: Invitae Variant Classification Sherloc (09022015). Collection method: clinical testing. Allele origin: germline.
Comment: In summary, the available evidence is currently insufficient to determine the role of this variant in disease. Therefore, it has been classified as a Variant of Uncertain Significance. Algorithms developed to predict the effect of sequence changes on RNA splicing suggest that this variant may disrupt the consensus splice site. Algorithms developed to predict the effect of missense changes on protein structure and function are either unavailable or do not agree on the potential impact of this missense change (SIFT: "Deleterious"; PolyPhen-2: "Possibly Damaging"; Align-GVGD: "Class C0"). ClinVar contains an entry for this variant (Variation ID: 1437479). This variant has not been reported in the literature in individuals affected with NEBL-related conditions. This variant is not present in population databases (gnomAD no frequency). This sequence change replaces asparagine, which is neutral and polar, with isoleucine, which is neutral and non-polar, at codon 654 of the NEBL protein (p.Asn654Ile).